The following is an entry in ClinVar:

NM_000059.4(BRCA2):c.3169A>G (p.Lys1057Glu)

Gene: BRCA2 (BRCA2 DNA repair associated; plus strand). Cytogenetic location: 13q13.1.
Variant type: single nucleotide variant.
Coding change: c.3169A>G on transcript NM_000059.4 (MANE Select); coding-DNA position 3169, A replaced by G.
Protein change: p.Lys1057Glu; replaces lysine 1057 with glutamic acid.
Molecular consequence: missense variant.
Genome position (GRCh38, 1-based): chr13:32,337,524, A>G. VCF-style: chr13-32337524-A-G. GRCh37 (hg19) VCF-style: chr13-32911661-A-G.
Other names: short protein forms K1057E.
Identifiers: ClinVar variation 996282 (VCV000996282.7), dbSNP rs1566227924, ClinGen allele CA387775804.

ClinVar aggregate classification (germline): Conflicting classifications of pathogenicity. Review status: criteria provided, conflicting classifications (1 of 4 stars). 5 submissions from 5 submitters: Uncertain significance (4); Likely benign (1). Last evaluated 2025-12-16.

Conditions:
Hereditary cancer-predisposing syndrome. Also called: Neoplastic Syndromes, Hereditary; Hereditary neoplastic syndrome; Hereditary Cancer Syndrome; Tumor predisposition. Identifiers: Orphanet 140162, MedGen C0027672, MeSH D009386, MONDO:0015356.
Hereditary breast ovarian cancer syndrome. Also called: Hereditary breast and ovarian cancer; Hereditary breast and ovarian cancer syndrome; BRCA1- and BRCA2-Associated Hereditary Breast and Ovarian Cancer; Hereditary breast and/or ovarian cancer syndrome; Hereditary breast and ovarian cancer syndrome (HBOC); Breast and ovarian cancer. Identifiers: Orphanet 145, MedGen C0677776, MeSH D061325, MONDO:0003582. Disease mechanism: loss of function.
Breast-ovarian cancer, familial, susceptibility to, 2 (BROVCA2). Also called: BRCA2 Hereditary Breast and Ovarian Cancer. Identifiers: Orphanet 145, MedGen C2675520, MONDO:0012933, OMIM 612555. Disease mechanism: loss of function.

Submissions (5):

Labcorp Genetics (formerly Invitae), Labcorp
Classification: Uncertain significance for Hereditary breast ovarian cancer syndrome. Last evaluated: 2025-12-16. Review status: criteria provided, single submitter. Criteria: Invitae Variant Classification Sherloc (09022015). Collection method: clinical testing. Allele origin: germline.
Comment: This sequence change replaces lysine, which is basic and polar, with glutamic acid, which is acidic and polar, at codon 1057 of the BRCA2 protein (p.Lys1057Glu). This variant is not present in population databases (gnomAD no frequency). This variant has not been reported in the literature in individuals affected with BRCA2-related conditions. ClinVar contains an entry for this variant (Variation ID: 996282). Invitae Evidence Modeling of protein sequence and biophysical properties (such as structural, functional, and spatial information, amino acid conservation, physicochemical variation, residue mobility, and thermodynamic stability) indicates that this missense variant is not expected to disrupt BRCA2 protein function with a negative predictive value of 95%. In summary, the available evidence is currently insufficient to determine the role of this variant in disease. Therefore, it has been classified as a Variant of Uncertain Significance.

All of Us Research Program, National Institutes of Health
Classification: Uncertain significance for Breast-ovarian cancer, familial, susceptibility to, 2. Last evaluated: 2024-01-11. Review status: criteria provided, single submitter. Criteria: ACMG Guidelines, 2015. Collection method: clinical testing. Allele origin: germline. Inheritance: Autosomal dominant inheritance. Observed: 1 variant allele, 1 heterozygote.
Comment: This study involves interpretation of variants in research participants for the purpose of population health screening. Participant phenotype was not available at the time of variant classification. Additional details can be found in publication PMID: 35346344, PMCID: PMC8962531

University of Washington Department of Laboratory Medicine, University of Washington
Classification: Likely benign for Hereditary cancer-predisposing syndrome. Last evaluated: 2023-03-23. Review status: criteria provided, single submitter. Criteria: Dines et al. (Genet Med. 2020). Collection method: curation. Allele origin: germline.
Comment: Missense variant in a coldspot region where missense variants are very unlikely to be pathogenic (PMID:31911673).

BRCA2 exon 11 coldspot. Reclassification based on statistical prior probability.

Women's Health and Genetics/Laboratory Corporation of America, LabCorp
Classification: Uncertain significance. Last evaluated: 2021-01-27. Review status: criteria provided, single submitter. Criteria: LabCorp Variant Classification Summary - May 2015. Collection method: clinical testing. Allele origin: germline.
Comment: Variant summary: BRCA2 c.3169A>G (p.Lys1057Glu) results in a conservative amino acid change located in the BRCA2 repeat region (IPR002093) of the encoded protein sequence. Five of five in-silico tools predict a benign effect of the variant on protein function. The variant was absent in 247022 control chromosomes (gnomAD). The available data on variant occurrences in the general population are insufficient to allow any conclusion about variant significance. To our knowledge, no occurrence of c.3169A>G in individuals affected with Hereditary Breast and Ovarian Cancer Syndrome and no experimental evidence demonstrating its impact on protein function have been reported. No clinical diagnostic laboratories have submitted clinical-significance assessments for this variant to ClinVar after 2014. Based on the evidence outlined above, the variant was classified as uncertain significance.

GeneDx
Classification: Uncertain significance. Last evaluated: 2020-07-21. Review status: criteria provided, single submitter. Criteria: GeneDx Variant Classification Process June 2021. Collection method: clinical testing. Allele origin: germline. Affected: yes.
Comment: Not observed in large population cohorts (Lek 2016); In silico analysis supports that this missense variant has a deleterious effect on protein structure/function; Has not been previously published as pathogenic or benign to our knowledge; Also known as 3397A>G